The following is an entry in ClinVar:

NM_001079872.2(CUL4B):c.1201_1204del (p.Lys401fs)

Gene: CUL4B (cullin 4B; minus strand). Cytogenetic location: Xq24.
Variant type: Deletion.
Coding change: c.1201_1204del on transcript NM_001079872.2 (MANE Select); coding-DNA positions 1201 to 1204, 4 bases deleted (AAAC; older notation c.1201_1204delAAAC).
Protein change: p.Lys401fs; shifts the reading frame from lysine 401.
Molecular consequence: frameshift variant.
Genome position (GRCh38, 1-based): chrX:120,543,779-120,543,782, GTTT deleted on the plus strand (AAAC on the coding strand, the reverse complement: CUL4B is on the minus strand); deleting any 4 consecutive bases within chrX:120,543,779-120,543,785 gives the same sequence; the c. name uses the placement nearest the transcript's 3' end. VCF-style (leftmost placement, unchanged base first): chrX-120543778-CGTTT-C. GRCh37 (hg19) VCF-style: chrX-119677633-CGTTT-C.
Other names: c.1216_1219del, p.Lys406fs (NM_001330624.2); c.667_670del, p.Lys223fs (NM_001369145.1); c.1255_1258del, p.Lys419fs (NM_003588.4); short protein forms K223fs, K401fs, K406fs, K419fs.
Identifiers: ClinVar variation 3895538 (VCV003895538.1).

ClinVar aggregate classification (germline): Pathogenic (1 of 4 stars; one submission).

Conditions:
X-linked intellectual disability Cabezas type (MRXSC). Also called: Intellectual developmental disorder, X-linked syndromic, Cabezas type; CABEZAS SYNDROME; MENTAL RETARDATION, X-LINKED, SYNDROMIC 15. Identifiers: Orphanet 85289, Orphanet 85293, MedGen C1845861, MONDO:0010306, OMIM 300354.

Submission:

Molecular Genetics Laboratory, Motol Hospital
Classification: Pathogenic for X-linked intellectual disability Cabezas type. Last evaluated: 2025-05-02. Review status: criteria provided, single submitter. Criteria: ACMG Guidelines, 2015. Collection method: clinical testing. Allele origin: de novo. Affected: yes. Observed: 1 variant allele.
Comment: Not present in gnomAD (v4.1.0), dbSNP or ClinVar (PM2). Rare truncating variants affecting the CUL4B gene are documented as a molecular cause of "Cabezas type of X-linked syndromic intellectual developmental disorder" (MRXSC, MIM:300354; PMID:17273978;PMID:25385192;PMID:17236139) (PVS1).To conclude, the variant is classified as pathogenic (ACMG PM2, PS2, PVS1).

Literature cited by the submitters: PubMed 17273978; PubMed 25385192; PubMed 17236139.